The following is an entry in ClinVar:

ClinVar aggregate classification (germline): Uncertain significance (1 of 4 stars; one submission).

Allele frequency attached by ClinVar (database versions not stated): gnomAD 0.00004; ExAC 0.00002; gnomAD exomes 0.00009.
gnomAD v4.1: 134 of 1,606,742 alleles (0.0083%); highest among the groups gnomAD compares: Non-Finnish European, 0.011%; no homozygotes.

Submission:

Labcorp Genetics (formerly Invitae), Labcorp
Classification: Uncertain significance. Last evaluated: 2025-05-14. Review status: criteria provided, single submitter. Criteria: Invitae Variant Classification Sherloc (09022015). Collection method: clinical testing. Allele origin: germline.
Comment: This sequence change affects codon 88 of the TRIP13 mRNA. It is a 'silent' change, meaning that it does not change the encoded amino acid sequence of the TRIP13 protein. This variant is present in population databases (rs762063056, gnomAD 0.007%). This variant has not been reported in the literature in individuals affected with TRIP13-related conditions. ClinVar contains an entry for this variant (Variation ID: 2844884). Algorithms developed to predict the effect of sequence changes on RNA splicing suggest that this variant may disrupt the consensus splice site. In summary, the available evidence is currently insufficient to determine the role of this variant in disease. Therefore, it has been classified as a Variant of Uncertain Significance.

NM_004237.4(TRIP13):c.264C>T (p.Ile88=)

Gene: TRIP13 (thyroid hormone receptor interactor 13; plus strand). Cytogenetic location: 5p15.33.
Variant type: single nucleotide variant.
Coding change: c.264C>T on transcript NM_004237.4 (MANE Select); coding-DNA position 264, C replaced by T.
Protein change: p.Ile88=; no amino-acid change (isoleucine 88 retained).
Molecular consequence: synonymous variant.
Genome position (GRCh38, 1-based): chr5:896,670, C>T. VCF-style: chr5-896670-C-T. GRCh37 (hg19) VCF-style: chr5-896785-C-T.
Other names: c.264C>T, p.Ile88= (NM_001166260.2).
Identifiers: ClinVar variation 2844884 (VCV002844884.3), dbSNP rs762063056, ClinGen allele CA3179807.